The following is an entry in ClinVar:

NM_001042492.3(NF1):c.43_44delinsCC (p.Ser15Pro)

Genes: MIR4733HG (MIR4733 host gene; minus strand), NF1 (neurofibromin 1; plus strand), LOC111811965 (NF1 (neurofibromin 1) promoter region; plus strand). Cytogenetic location: 17q11.2.
Variant type: Indel.
Coding change: c.43_44delinsCC on transcript NM_001042492.3 (MANE Select); coding-DNA positions 43 to 44, AG replaced by CC.
Protein change: p.Ser15Pro; replaces serine 15 with proline.
Molecular consequence: missense variant. On other transcripts: non-coding transcript variant (1).
Genome position (GRCh38, 1-based): chr17:31,095,352-31,095,353, AG replaced by CC. VCF-style: chr17-31095352-AG-CC. GRCh37 (hg19) VCF-style: chr17-29422370-AG-CC.
Other names: c.43_44delAGinsCC, p.Ser15Pro (NM_000267.4); c.43_44delinsCC, p.Ser15Pro (NM_001128147.3); short protein forms S15P.
Identifiers: ClinVar variation 3644757 (VCV003644757.2).

ClinVar aggregate classification (germline): Uncertain significance (1 of 4 stars; one submission).

Conditions:
Neurofibromatosis, type 1 (NF1). Also called: Peripheral type neurofibromatosis; VON RECKLINGHAUSEN DISEASE; Neurofibromatosis, type I; NEUROFIBROMATOSIS, TYPE I, SOMATIC. Identifiers: Orphanet 636, MedGen C0027831, MONDO:0018975, OMIM 162200. Disease mechanism: loss of function.

Submission:

Labcorp Genetics (formerly Invitae), Labcorp
Classification: Uncertain significance for Neurofibromatosis, type 1. Last evaluated: 2024-03-14. Review status: criteria provided, single submitter. Criteria: Invitae Variant Classification Sherloc (09022015). Collection method: clinical testing. Allele origin: germline.
Comment: This sequence change replaces serine, which is neutral and polar, with proline, which is neutral and non-polar, at codon 15 of the NF1 protein (p.Ser15Pro). Information on the frequency of this variant in the gnomAD database is not available, as this variant may be reported differently in the database. This variant has not been reported in the literature in individuals affected with NF1-related conditions. An algorithm developed to predict the effect of missense changes on protein structure and function (PolyPhen-2) suggests that this variant is likely to be tolerated. In summary, the available evidence is currently insufficient to determine the role of this variant in disease. Therefore, it has been classified as a Variant of Uncertain Significance.